The following is an entry in ClinVar:

NM_001382567.1(STIM1):c.1371C>G (p.Asp457Glu)

Gene: STIM1 (stromal interaction molecule 1; plus strand). Cytogenetic location: 11p15.4.
Variant type: single nucleotide variant.
Coding change: c.1371C>G on transcript NM_001382567.1 (MANE Select); coding-DNA position 1371, C replaced by G.
Protein change: p.Asp457Glu; replaces aspartic acid 457 with glutamic acid.
Molecular consequence: missense variant. On other transcripts: non-coding transcript variant (2).
Genome position (GRCh38, 1-based): chr11:4,083,395, C>G. VCF-style: chr11-4083395-C-G. GRCh37 (hg19) VCF-style: chr11-4104625-C-G.
Other names: c.1371C>G, p.Asp457Glu (NM_001277961.3, NM_001277962.2, NM_003156.4); c.1149C>G, p.Asp383Glu (NM_001382566.1, NM_001382573.1, NM_001382575.1 and 4 more transcripts); c.1392C>G, p.Asp464Glu (NM_001382568.1); c.1236C>G, p.Asp412Glu (NM_001382569.1); c.1143C>G, p.Asp381Glu (NM_001382570.1); c.891C>G, p.Asp297Glu (NM_001382571.1); c.882C>G, p.Asp294Glu (NM_001382580.1, NM_001382581.1); short protein forms D412E, D297E, D381E, D383E, D464E, D294E, D457E.
Identifiers: ClinVar variation 937398 (VCV000937398.10), dbSNP rs777537168, ClinGen allele CA5830454.

ClinVar aggregate classification (germline): Uncertain significance (1 of 4 stars; one submission).

Conditions:
Combined immunodeficiency due to STIM1 deficiency. Also called: IMMUNODEFICIENCY 10; STIM1 DEFICIENCY. Identifiers: Orphanet 169090, Orphanet 317430, MedGen C2748557, MONDO:0013008, OMIM 612783.
Myopathy with tubular aggregates (TAM). Also called: Tubular Aggregate Myopathy. Identifiers: Orphanet 2593, MedGen C0410207, MONDO:0008051.
Stormorken syndrome (STRMK). Also called: THROMBOCYTOPATHY, ASPLENIA, AND MIOSIS. Identifiers: Orphanet 3204, MedGen C1861451, MONDO:0008497, OMIM 185070.

Allele frequency attached by ClinVar (database versions not stated): TOPMed 0.00002.
gnomAD v4.1: 5 of 1,614,126 alleles (0.00031%); highest among the groups gnomAD compares: Non-Finnish European, 0.00025%; no homozygotes.

Submission:

Labcorp Genetics (formerly Invitae), Labcorp
Classification: Uncertain significance for Myopathy with tubular aggregates; Combined immunodeficiency due to STIM1 deficiency; Stormorken syndrome. Last evaluated: 2025-11-03. Review status: criteria provided, single submitter. Criteria: Invitae Variant Classification Sherloc (09022015). Collection method: clinical testing. Allele origin: germline.
Comment: This sequence change replaces aspartic acid, which is acidic and polar, with glutamic acid, which is acidic and polar, at codon 457 of the STIM1 protein (p.Asp457Glu). This variant is present in population databases (rs777537168, gnomAD no frequency). This variant has not been reported in the literature in individuals affected with STIM1-related conditions. ClinVar contains an entry for this variant (Variation ID: 937398). Invitae Evidence Modeling of protein sequence and biophysical properties (such as structural, functional, and spatial information, amino acid conservation, physicochemical variation, residue mobility, and thermodynamic stability) has been performed for this missense variant. However, the output from this modeling did not meet the statistical confidence thresholds required to predict the impact of this variant on STIM1 protein function. In summary, the available evidence is currently insufficient to determine the role of this variant in disease. Therefore, it has been classified as a Variant of Uncertain Significance.